The following is an entry in ClinVar:

NM_003907.3(EIF2B5):c.1946T>C (p.Ile649Thr)

Gene: EIF2B5 (eukaryotic translation initiation factor 2B subunit epsilon; plus strand). Cytogenetic location: 3q27.1.
Variant type: single nucleotide variant.
Coding change: c.1946T>C on transcript NM_003907.3 (MANE Select); coding-DNA position 1946, T replaced by C.
Protein change: p.Ile649Thr; replaces isoleucine 649 with threonine.
Molecular consequence: missense variant.
Genome position (GRCh38, 1-based): chr3:184,144,175, T>C. VCF-style: chr3-184144175-T-C. GRCh37 (hg19) VCF-style: chr3-183861963-T-C.
Other names: short protein forms I649T.
Identifiers: ClinVar variation 420049 (VCV000420049.9), dbSNP rs1064794256, ClinGen allele CA16617857.

ClinVar aggregate classification (germline): Pathogenic/Likely pathogenic. Review status: criteria provided, multiple submitters, no conflicts (2 of 4 stars). 4 submissions from 3 submitters: Pathogenic (1); Likely pathogenic (3). Last evaluated 2025-09-12.

Conditions:
Leukoencephalopathy with vanishing white matter 5 (VWM5). Also called: EIF2B5-Related Childhood Ataxia with Central Nervous System Hypomyelination/Vanishing White Matter; Leukoencephalopathy with vanishing white matter 5, with or without ovarian failure. Identifiers: MedGen C5779973, MONDO:0957873, OMIM 620315.
Vanishing white matter disease. Also called: CACH syndrome; Childhood ataxia with diffuse central nervous system hypomyelination; Leukoencephalopathy with vanishing white matter; CACH/VWM syndrome; Cree leukoencehalopathy. Identifiers: Orphanet 135, Orphanet 99853, MedGen C1858991, MONDO:0800448.

Allele frequency attached by ClinVar (database versions not stated): gnomAD exomes 0.00001.
gnomAD v4.1: 18 of 1,614,252 alleles (0.0011%); highest among the groups gnomAD compares: Non-Finnish European, 0.0014%; no homozygotes.

Submissions (4):

Natera, Inc.
Classification: Likely pathogenic for Leukoencephalopathy with vanishing white matter. Last evaluated: 2025-09-12. Review status: criteria provided, single submitter. Criteria: Natera Variant Classification Schema (03/2026). Collection method: clinical testing. Allele origin: germline.
Comment: The c.1946T>C variant in EIF2B5 is a missense variant predicted to cause substitution of isoleucine to threonine at amino acid 649. This variant is rare in the general population with a frequency below the threshold expected for the associated phenotype(s). This variant has been observed in one or more individuals affected with the associated recessive disease, as either homozygous or compound heterozygous with a second variant (PMID: 33432707). Computational prediction algorithms indicate this variant is likely to affect gene or protein function. Given the available evidence, this variant is classified as Likely Pathogenic.

Fulgent Genetics
Classification: Likely pathogenic for Leukoencephalopathy with vanishing white matter 5. Last evaluated: 2024-06-20. Review status: criteria provided, single submitter. Criteria: ACMG Guidelines, 2015. Collection method: clinical testing. Allele origin: germline.

GeneDx
Classification: Likely pathogenic. Last evaluated: 2022-06-20. Review status: criteria provided, single submitter. Criteria: GeneDx Variant Classification Process June 2021. Collection method: clinical testing. Allele origin: germline. Affected: yes.
Comment: Reported in association with EIF2B5-related leukoencephalopathy, however no evidence was provided to evaluate pathogenicity (Pronk et al., 2006; van der Lei et al., 2012); In silico analysis supports that this missense variant has a deleterious effect on protein structure/function; Not observed in large population cohorts (gnomAD); Published functional studies demonstrate a damaging effect as this variant leads to a significant decrease in protein function as compared to wild-type protein (Liu et al., 2011; De Almeida et al., 2013); This variant is associated with the following publications: (PMID: 23335982, 16632312, 22430157, 16807905, 21560189)

Fulgent Genetics
Classification: Pathogenic for Leukoencephalopathy with vanishing white matter 1. Last evaluated: 2018-10-31. Review status: criteria provided, single submitter. Criteria: ACMG Guidelines, 2015. Collection method: clinical testing. Allele origin: unknown.

Literature cited by the submitters: PubMed 33432707 (cited by Natera, Inc.).